The following is an entry in ClinVar:

NM_000593.6(TAP1):c.1963C>T (p.Arg655Ter)

Gene: TAP1 (transporter 1, ATP binding cassette subfamily B member; minus strand). Cytogenetic location: 6p21.32.
Variant type: single nucleotide variant.
Coding change: c.1963C>T on transcript NM_000593.6 (MANE Select); coding-DNA position 1963, C replaced by T.
Protein change: p.Arg655Ter; replaces arginine 655 with a stop codon.
Molecular consequence: nonsense.
Genome position (GRCh38, 1-based): chr6:32,847,145, G>A on the plus strand (C>T on the coding strand, the complement: TAP1 is on the minus strand). VCF-style: chr6-32847145-G-A. GRCh37 (hg19) VCF-style: chr6-32814922-G-A.
Other names: c.1360C>T, p.Arg454Ter (NM_001292022.2); short protein forms R454*, R655*.
Identifiers: ClinVar variation 4796687 (VCV004796687.1).
Genomic context (GRCh38, chr6:32,847,145, plus strand): 5'-CATCCAGGGCACTGGTGGCATCATCCAGGATAAGTACACACGGTTTCCGGATCAATGCTC[G>A]GGCCAACGCCACTGCCTGTCGCTGACCCCCTGACAGCTGGCTCCCAGCCTCGTCTACCTC-3'

ClinVar aggregate classification (germline): Likely pathogenic (1 of 4 stars; one submission).

Conditions:
MHC class I deficiency 1 (MHC1D1). Also called: BARE LYMPHOCYTE SYNDROME, TYPE I; BLS, TYPE I; HLA CLASS I DEFICIENCY, 1. Identifiers: MedGen C1858266, MONDO:0971006, OMIM 604571.

gnomAD v4.1: 12 of 1,612,718 alleles (0.00074%); highest among the groups gnomAD compares: African/African-American, 0.0067%; no homozygotes.

Submission:

Department of Medical Genetics, Ankara University Faculty of Medicine
Classification: Likely pathogenic for MHC class I deficiency 1. Last evaluated: 2026-02-08. Review status: criteria provided, single submitter. Criteria: ACMG Guidelines, 2015. Collection method: clinical testing. Allele origin: germline. Inheritance: Autosomal recessive inheritance. Affected: yes.
Comment: This variant is classified as likely pathogenic based on ACMG/AMP criteria. It meets PVS1 as a nonsense variant predicted to undergo nonsense-mediated decay (NMD) in a biologically relevant (MANE) transcript, which is consistent with the well-established loss-of-function (LOF) disease mechanism for this gene. Additionally, the variant satisfies PM2 due to extremely low heterozygous frequency in gnomAD and a total absence in the homozygous state. While this variant has not been previously reported in literature or population databases, the current evidence strongly supports a likely deleterious effect.